The following is an entry in ClinVar:

NM_007289.4(MME):c.2161G>A (p.Gly721Arg)

Gene: MME (membrane metalloendopeptidase; plus strand). Cytogenetic location: 3q25.2.
Variant type: single nucleotide variant.
Coding change: c.2161G>A on transcript NM_007289.4 (MANE Select); coding-DNA position 2161, G replaced by A.
Protein change: p.Gly721Arg; replaces glycine 721 with arginine.
Molecular consequence: missense variant.
Genome position (GRCh38, 1-based): chr3:155,180,367, G>A. VCF-style: chr3-155180367-G-A. GRCh37 (hg19) VCF-style: chr3-154898156-G-A.
Other names: c.2161G>A, p.Gly721Arg (NM_000902.5, NM_001354642.2, NM_001354643.1 and 2 more transcripts); short protein forms G721R.
Identifiers: ClinVar variation 1354357 (VCV001354357.4), dbSNP rs149326800, ClinGen allele CA86316961.

ClinVar aggregate classification (germline): Uncertain significance. Review status: criteria provided, multiple submitters, no conflicts (2 of 4 stars). 2 submissions from 2 submitters: Uncertain significance (2). Last evaluated 2024-07-12.

Allele frequency attached by ClinVar (database versions not stated): gnomAD 0.00001; gnomAD exomes 0.00001 and 0.00002; TOPMed 0.00003; ESP Exome Variant Server 0.00008.
gnomAD v4.1: 24 of 1,612,634 alleles (0.0015%); highest among the groups gnomAD compares: Non-Finnish European, 0.002%; no homozygotes.

Submissions (2):

Blueprint Genetics
Classification: Uncertain significance. Last evaluated: 2024-07-12. Review status: criteria provided, single submitter. Criteria: ACMG Guidelines, 2015. Collection method: clinical testing. Allele origin: germline.

Labcorp Genetics (formerly Invitae), Labcorp
Classification: Uncertain significance. Last evaluated: 2022-10-01. Review status: criteria provided, single submitter. Criteria: Invitae Variant Classification Sherloc (09022015). Collection method: clinical testing. Allele origin: germline.
Comment: This sequence change replaces glycine, which is neutral and non-polar, with arginine, which is basic and polar, at codon 721 of the MME protein (p.Gly721Arg). This variant is present in population databases (rs149326800, gnomAD 0.002%). This variant has not been reported in the literature in individuals affected with MME-related conditions. ClinVar contains an entry for this variant (Variation ID: 1354357). Advanced modeling of protein sequence and biophysical properties (such as structural, functional, and spatial information, amino acid conservation, physicochemical variation, residue mobility, and thermodynamic stability) performed at Invitae indicates that this missense variant is expected to disrupt MME protein function. In summary, the available evidence is currently insufficient to determine the role of this variant in disease. Therefore, it has been classified as a Variant of Uncertain Significance.